The following is an entry in ClinVar:

NM_018406.7(MUC4):c.8319C>T (p.Asn2773=)

Gene: MUC4 (mucin 4, cell surface associated). Cytogenetic location: 3q29.
Variant type: single nucleotide variant.
Coding change: c.8319C>T on transcript NM_018406.7 (MANE Select); coding-DNA position 8319, C replaced by T.
Protein change: p.Asn2773=; no amino-acid change (asparagine 2773 retained).
Molecular consequence: synonymous variant. On other transcripts: genic upstream transcript variant (2).
Genome position (GRCh38, 1-based): chr3:195,783,261, G>A on the plus strand (C>T on the coding strand, the complement: MUC4 is on the minus strand). VCF-style: chr3-195783261-G-A. GRCh37 (hg19) VCF-style: chr3-195510132-G-A.
Other names: c.12126C>T, p.Asn4042= (NM_001322468.1); c.83-8956C>T (NM_138297.5); c.83-4806C>T (NM_004532.6).
Identifiers: ClinVar variation 2672976 (VCV002672976.23), dbSNP rs576980146, ClinGen allele CA90767718.

ClinVar aggregate classification (germline): Likely benign (1 of 4 stars; one submission).

Allele frequency attached by ClinVar (database versions not stated): 1000 Genomes Project 0.00020.

Submission:

CeGaT Center for Human Genetics Tuebingen
Classification: Likely benign. Last evaluated: 2023-11-01. Review status: criteria provided, single submitter. Criteria: CeGaT Center For Human Genetics Tuebingen Variant Classification Criteria Version 2. Collection method: clinical testing. Allele origin: germline. Affected: yes. Observed: 1 variant allele.
Comment: MUC4: BP4, BP7